The following is an entry in ClinVar:

ClinVar aggregate classification (germline): Pathogenic (1 of 4 stars; one submission).

Conditions:
PRPH2-related disorder. Also called: PRPH2-related condition; PRPH2-related disorders. Identifiers: MedGen CN239395.

Submission:

Labcorp Genetics (formerly Invitae), Labcorp
Classification: Pathogenic for PRPH2-related disorder. Last evaluated: 2022-10-25. Review status: criteria provided, single submitter. Criteria: Invitae Variant Classification Sherloc (09022015). Collection method: clinical testing. Allele origin: germline.
Comment: For these reasons, this variant has been classified as Pathogenic. ClinVar contains an entry for this variant (Variation ID: 967216). This variant has not been reported in the literature in individuals affected with PRPH2-related conditions. This variant is not present in population databases (gnomAD no frequency). This sequence change creates a premature translational stop signal (p.Asp207Profs*13) in the PRPH2 gene. It is expected to result in an absent or disrupted protein product. Loss-of-function variants in PRPH2 are known to be pathogenic (PMID: 8111389, 8485575, 8485576, 8675410, 16916875, 17504850, 22863181, 25675413, 26061163, 27365499, 29555955, 33546218).

Literature cited by the submitters: PubMed 8111389; PubMed 8485575; PubMed 8485576; PubMed 8675410; PubMed 16916875; PubMed 17504850; PubMed 22863181; PubMed 25675413; PubMed 26061163; PubMed 27365499; PubMed 29555955; PubMed 33546218.

NM_000322.5(PRPH2):c.611_617dup (p.Asp207fs)

Gene: PRPH2 (peripherin 2; minus strand). Cytogenetic location: 6p21.1.
Variant type: Duplication.
Coding change: c.611_617dup on transcript NM_000322.5 (MANE Select); coding-DNA positions 611 to 617, 7 bases duplicated (ACCTGGT; older notation c.611_617dupACCTGGT).
Protein change: p.Asp207fs; shifts the reading frame from aspartic acid 207.
Molecular consequence: frameshift variant.
Genome position (GRCh38, 1-based): chr6:42,704,576-42,704,582, ACCAGGT duplicated on the plus strand (ACCTGGT on the coding strand, the reverse complement: PRPH2 is on the minus strand); duplicating any 7 consecutive bases within chr6:42,704,576-42,704,585 gives the same sequence; the c. name uses the placement nearest the transcript's 3' end. VCF-style (leftmost placement, unchanged base first): chr6-42704575-C-CACCAGGT. GRCh37 (hg19) VCF-style: chr6-42672313-C-CACCAGGT.
Other names: short protein forms D207fs.
Identifiers: ClinVar variation 967216 (VCV000967216.8), dbSNP rs1800117107, ClinGen allele CA1139659520.
Genomic context (GRCh38, chr6:42,704,575, plus strand): 5'-CTGATACTGGATGCAGGGCCGTGGCGAGCTAGGATTGCAGCAGCTGAAAGGGACGCCGTC[C>CACCAGGT]ACCAGGTACCGCCCATCCACGTTGCTCTTGATTCGACTTAAAGGGAAACAGACAGCTGGA-3'